The following is an entry in ClinVar:

ClinVar aggregate classification (germline): Uncertain significance. Review status: criteria provided, multiple submitters, no conflicts (2 of 4 stars). 2 submissions from 2 submitters: Uncertain significance (2). Last evaluated 2022-01-12.

Conditions:
Severe combined immunodeficiency due to DNA-PKcs deficiency. Also called: IMMUNODEFICIENCY 26 WITH NEUROLOGIC ABNORMALITIES; Immunodeficiency 26 with or without neurologic abnormalities. Identifiers: Orphanet 317425, MedGen C4014833, MONDO:0014423, OMIM 615966.

Allele frequency attached by ClinVar (database versions not stated): gnomAD exomes below 0.00001; TOPMed below 0.00001.
gnomAD v4.1: 1 of 1,504,072 alleles (0.000066%); highest among the groups gnomAD compares: Non-Finnish European, 0.000089%; no homozygotes.

Submissions (2):

Labcorp Genetics (formerly Invitae), Labcorp
Classification: Uncertain significance for Severe combined immunodeficiency due to DNA-PKcs deficiency. Last evaluated: 2022-01-12. Review status: criteria provided, single submitter. Criteria: Invitae Variant Classification Sherloc (09022015). Collection method: clinical testing. Allele origin: germline.
Comment: In summary, the available evidence is currently insufficient to determine the role of this variant in disease. Therefore, it has been classified as a Variant of Uncertain Significance. Algorithms developed to predict the effect of missense changes on protein structure and function are either unavailable or do not agree on the potential impact of this missense change (SIFT: "Not Available"; PolyPhen-2: "Not Available"; Align-GVGD: "Not Available"). This variant has not been reported in the literature in individuals affected with PRKDC-related conditions. This variant is not present in population databases (gnomAD no frequency). This sequence change replaces histidine, which is basic and polar, with arginine, which is basic and polar, at codon 484 of the PRKDC protein (p.His484Arg).

Ambry Genetics
Classification: Uncertain significance. Last evaluated: 2021-12-04. Review status: criteria provided, single submitter. Criteria: Ambry Variant Classification Scheme 2023. Collection method: clinical testing. Allele origin: germline.
Comment: The p.H484R variant (also known as c.1451A>G), located in coding exon 14 of the PRKDC gene, results from an A to G substitution at nucleotide position 1451. The histidine at codon 484 is replaced by arginine, an amino acid with highly similar properties. This amino acid position is conserved. In addition, the in silico prediction for this alteration is inconclusive. Since supporting evidence is limited at this time, the clinical significance of this alteration remains unclear.

NM_006904.7(PRKDC):c.1451A>G (p.His484Arg)

Gene: PRKDC (protein kinase, DNA-activated, catalytic subunit; minus strand). Cytogenetic location: 8q11.21.
Variant type: single nucleotide variant.
Coding change: c.1451A>G on transcript NM_006904.7 (MANE Select); coding-DNA position 1451, A replaced by G.
Protein change: p.His484Arg; replaces histidine 484 with arginine.
Molecular consequence: missense variant.
Genome position (GRCh38, 1-based): chr8:47,935,055, T>C on the plus strand (A>G on the coding strand, the complement: PRKDC is on the minus strand). VCF-style: chr8-47935055-T-C. GRCh37 (hg19) VCF-style: chr8-48847615-T-C.
Other names: c.1451A>G, p.His484Arg (NM_001081640.2); short protein forms H484R.
Identifiers: ClinVar variation 1772956 (VCV001772956.7), dbSNP rs2090324874, ClinGen allele CA371165636.